The following is an entry in ClinVar:

NM_000843.4(GRM6):c.963C>T (p.Asp321=)

Gene: GRM6 (glutamate metabotropic receptor 6; minus strand). Cytogenetic location: 5q35.3.
Variant type: single nucleotide variant.
Coding change: c.963C>T on transcript NM_000843.4 (MANE Select); coding-DNA position 963, C replaced by T.
Protein change: p.Asp321=; no amino-acid change (aspartic acid 321 retained).
Molecular consequence: synonymous variant.
Genome position (GRCh38, 1-based): chr5:178,990,641, G>A on the plus strand (C>T on the coding strand, the complement: GRM6 is on the minus strand). VCF-style: chr5-178990641-G-A. GRCh37 (hg19) VCF-style: chr5-178417642-G-A.
Other names: c.963C>T (NM_000843.3).
Identifiers: ClinVar variation 1128157 (VCV001128157.10), dbSNP rs201148002, ClinGen allele CA3594296.

ClinVar aggregate classification (germline): Likely benign. Review status: criteria provided, multiple submitters, no conflicts (2 of 4 stars). 2 submissions from 2 submitters: Likely benign (2). Last evaluated 2026-07-02.

Conditions:
GRM6-related disorder. Also called: GRM6-related condition.

Allele frequency attached by ClinVar (database versions not stated): gnomAD exomes 0.00001 and 0.00002; TOPMed 0.00001; ExAC 0.00003; gnomAD 0.00003.

Submissions (2):

PreventionGenetics, part of Exact Sciences
Classification: Likely benign for GRM6-related condition. Last evaluated: 2026-07-02. Review status: criteria provided, single submitter. Criteria: ACMG Guidelines, 2015. Collection method: clinical testing. Allele origin: germline.
Comment: This variant is classified as likely benign based on ACMG/AMP sequence variant interpretation guidelines (Richards et al. 2015 PMID: 25741868, with internal and published modifications).

Labcorp Genetics (formerly Invitae), Labcorp
Classification: Likely benign. Last evaluated: 2024-05-09. Review status: criteria provided, single submitter. Criteria: Invitae Variant Classification Sherloc (09022015). Collection method: clinical testing. Allele origin: germline.